The following is an entry in ClinVar:

NM_000059.4(BRCA2):c.3919dup (p.Glu1307fs)

Gene: BRCA2 (BRCA2 DNA repair associated; plus strand). Cytogenetic location: 13q13.1.
Variant type: Duplication.
Coding change: c.3919dup on transcript NM_000059.4 (MANE Select); coding-DNA position 3919, one base duplicated (G; older notation c.3919dupG).
Protein change: p.Glu1307fs; shifts the reading frame from glutamic acid 1307.
Molecular consequence: frameshift variant. On other transcripts: non-coding transcript variant (1), intron variant (2).
Genome position (GRCh38, 1-based): chr13:32,338,274, G duplicated. VCF-style (leftmost placement, unchanged base first): chr13-32338273-T-TG. GRCh37 (hg19) VCF-style: chr13-32912410-T-TG.
Other names: c.3919dup, p.Glu1307fs (NM_001406719.1, NM_001406720.1); c.1909+4887dup (NM_001406721.1); c.425-6284dup (NM_001406722.1); short protein forms E1307fs.
Identifiers: ClinVar variation 2746185 (VCV002746185.3), dbSNP rs2548527197, ClinGen allele CA2697551723.
Genomic context (GRCh38, chr13:32,338,273, plus strand): 5'-AAATAATAAATGCCAACTGATATTACAAAATAATATTGAAATGACTACTGGCACTTTTGT[T>TG]GAAGAAATTACTGAAAATTACAAGAGAAATACTGAAAATGAAGATAACAAATATACTGCT-3'

ClinVar aggregate classification (germline): Pathogenic (1 of 4 stars; one submission).

Conditions:
Hereditary breast ovarian cancer syndrome. Also called: BRCA1- and BRCA2-Associated Hereditary Breast and Ovarian Cancer; Breast and ovarian cancer; Hereditary breast and/or ovarian cancer syndrome; Hereditary breast and ovarian cancer; Hereditary breast and ovarian cancer syndrome (HBOC); Hereditary breast and ovarian cancer syndrome. Identifiers: Orphanet 145, MedGen C0677776, MeSH D061325, MONDO:0003582. Disease mechanism: loss of function.

Submission:

Labcorp Genetics (formerly Invitae), Labcorp
Classification: Pathogenic for Hereditary breast ovarian cancer syndrome. Last evaluated: 2023-05-29. Review status: criteria provided, single submitter. Criteria: Invitae Variant Classification Sherloc (09022015). Collection method: clinical testing. Allele origin: germline.
Comment: For these reasons, this variant has been classified as Pathogenic. This variant has not been reported in the literature in individuals affected with BRCA2-related conditions. This variant is not present in population databases (gnomAD no frequency). This sequence change creates a premature translational stop signal (p.Glu1307Glyfs*5) in the BRCA2 gene. It is expected to result in an absent or disrupted protein product. Loss-of-function variants in BRCA2 are known to be pathogenic (PMID: 20104584).

Literature cited by the submitters: PubMed 20104584.